The following is an entry in ClinVar:

ClinVar aggregate classification (germline): Uncertain significance (1 of 4 stars; one submission).

Conditions:
Inborn genetic diseases. Identifiers: MedGen C0950123, MeSH D030342.

Allele frequency attached by ClinVar (database versions not stated): TOPMed below 0.00001.

Submission:

Ambry Genetics
Classification: Uncertain significance for Inborn genetic diseases. Last evaluated: 2024-10-27. Review status: criteria provided, single submitter. Criteria: Ambry Variant Classification Scheme 2023. Collection method: clinical testing. Allele origin: germline.
Comment: The p.P820S variant (also known as c.2458C>T), located in coding exon 19 of the LRRK2 gene, results from a C to T substitution at nucleotide position 2458. The proline at codon 820 is replaced by serine, an amino acid with similar properties. This amino acid position is conserved. In addition, the in silico prediction for this alteration is inconclusive. Since supporting evidence is limited at this time, the clinical significance of this alteration remains unclear.

NM_198578.4(LRRK2):c.2458C>T (p.Pro820Ser)

Gene: LRRK2 (leucine rich repeat kinase 2; plus strand). Cytogenetic location: 12q12.
Variant type: single nucleotide variant.
Coding change: c.2458C>T on transcript NM_198578.4 (MANE Select); coding-DNA position 2458, C replaced by T.
Protein change: p.Pro820Ser; replaces proline 820 with serine.
Molecular consequence: missense variant.
Genome position (GRCh38, 1-based): chr12:40,284,091, C>T. VCF-style: chr12-40284091-C-T. GRCh37 (hg19) VCF-style: chr12-40677893-C-T.
Other names: short protein forms P820S.
Identifiers: ClinVar variation 1791574 (VCV001791574.3), dbSNP rs1943815949, ClinGen allele CA384407382.